The following is an entry in ClinVar:

ClinVar aggregate classification (germline): Benign. Review status: criteria provided, multiple submitters, no conflicts (2 of 4 stars). 2 submissions from 2 submitters: Benign (2). Last evaluated 2026-01-17.

Conditions:
Diabetes insipidus, nephrogenic, X-linked. Also called: Nephrogenic Diabetes Insipidus, Type I. Identifiers: Orphanet 223, MedGen C1563705, MONDO:0010581, OMIM 304800.

Allele frequency attached by ClinVar (database versions not stated): 1000 Genomes Project 30x 0.00021; 1000 Genomes Project 0.00026; gnomAD exomes 0.00038 and 0.00041; ExAC 0.00048; gnomAD 0.00074 and 0.00082; TOPMed 0.00074; ESP Exome Variant Server 0.00142.

Submissions (2):

Labcorp Genetics (formerly Invitae), Labcorp
Classification: Benign. Last evaluated: 2026-01-17. Review status: criteria provided, single submitter. Criteria: Invitae Variant Classification Sherloc (09022015). Collection method: clinical testing. Allele origin: germline.

Illumina Laboratory Services, Illumina
Classification: Benign for Diabetes insipidus, nephrogenic, X-linked. Last evaluated: 2018-01-12. Review status: criteria provided, single submitter. Criteria: ICSL Variant Classification Criteria 13 December 2019. Collection method: clinical testing. Allele origin: germline.
Comment: This variant was observed in the ICSL laboratory as part of a predisposition screen in an ostensibly healthy population. It had not been previously curated by ICSL or reported in the Human Gene Mutation Database (HGMD: prior to June 1st, 2018), and was therefore a candidate for classification through an automated scoring system. Utilizing variant allele frequency, disease prevalence and penetrance estimates, and inheritance mode, an automated score was calculated to assess if this variant is too frequent to cause the disease. Based on the score and internal cut-off values, a variant classified as benign is not then subjected to further curation. The score for this variant resulted in a classification of benign for this disease.

NM_000054.7(AVPR2):c.643G>A (p.Val215Met)

Gene: AVPR2 (arginine vasopressin receptor 2; plus strand). Cytogenetic location: Xq28.
Variant type: single nucleotide variant.
Coding change: c.643G>A on transcript NM_000054.7 (MANE Select); coding-DNA position 643, G replaced by A.
Protein change: p.Val215Met; replaces valine 215 with methionine.
Molecular consequence: missense variant. On other transcripts: non-coding transcript variant (1).
Genome position (GRCh38, 1-based): chrX:153,906,149, G>A. VCF-style: chrX-153906149-G-A. GRCh37 (hg19) VCF-style: chrX-153171603-G-A.
Other names: c.643G>A, p.Val215Met (NM_001146151.3); short protein forms V215M.
Identifiers: ClinVar variation 368075 (VCV000368075.9), dbSNP rs112109182, ClinGen allele CA10555040.
Genomic context (GRCh38, chrX:153,906,149, plus strand): 5'-TGCTTTGCGGAGCCCTGGGGCCGTCGCACCTATGTCACCTGGATTGCCCTGATGGTGTTC[G>A]TGGCACCTACCCTGGGTATCGCCGCCTGCCAGGTGCTCATCTTCCGGGAGATTCATGCCA-3'
Protein context (NP_000045.1, residues 205-225): YVTWIALMVF[Val215Met]APTLGIAACQ